The following is an entry in ClinVar:

NM_000179.3(MSH6):c.2024_2029del (p.Glu675_Ser677delinsGly)

Gene: MSH6 (mutS homolog 6; plus strand). Cytogenetic location: 2p16.3.
Variant type: Deletion.
Coding change: c.2024_2029del on transcript NM_000179.3 (MANE Select); coding-DNA positions 2024 to 2029, 6 bases deleted (AGAAAA; older notation c.2024_2029delAGAAAA).
Protein change: p.Glu675_Ser677delinsGly.
Molecular consequence: inframe indel. On other transcripts: non-coding transcript variant (5), intron variant (2).
Genome position (GRCh38, 1-based): chr2:47,800,007-47,800,012, AGAAAA deleted. VCF-style (leftmost placement, unchanged base first): chr2-47800006-GAGAAAA-G. GRCh37 (hg19) VCF-style: chr2-48027145-GAGAAAA-G.
Other names: c.1606+418_1606+423del (NM_001406817.1); c.628-659_628-654del (NM_001407362.1); c.1499_1504del, p.Glu500_Ser502delinsGly (NM_001406806.1, NM_001406807.1, NM_001406799.1); c.2024_2029del, p.Glu675_Ser677delinsGly (NM_001406808.1, NM_001406809.1, NM_001406796.1 and 3 more transcripts); c.1118_1123del, p.Glu373_Ser375delinsGly (NM_001406811.1, NM_001406812.1, NM_001406814.1 and 6 more transcripts); c.2030_2035del, p.Glu677_Ser679delinsGly (NM_001406813.1); c.1727_1732del, p.Glu576_Ser578delinsGly (NM_001406818.1, NM_001406819.1, NM_001406820.1 and 10 more transcripts); c.1634_1639del, p.Glu545_Ser547delinsGly (NM_001281492.2); and 3 more.
Identifiers: ClinVar variation 2701387 (VCV002701387.3), dbSNP rs2530645849, ClinGen allele CA2697548152.

ClinVar aggregate classification (germline): Uncertain significance (1 of 4 stars; one submission).

Conditions:
Hereditary nonpolyposis colorectal neoplasms. Identifiers: MedGen C0009405, MeSH D003123.

Submission:

Labcorp Genetics (formerly Invitae), Labcorp
Classification: Uncertain significance for Hereditary nonpolyposis colorectal neoplasms. Last evaluated: 2025-08-30. Review status: criteria provided, single submitter. Criteria: Invitae Variant Classification Sherloc (09022015). Collection method: clinical testing. Allele origin: germline.
Comment: This variant, c.2024_2029del, is a complex sequence change that results in the deletion of 3 and insertion of 1 amino acid(s) in the MSH6 protein (p.Glu675_Ser677delinsGly). This variant is not present in population databases (gnomAD no frequency). This variant has not been reported in the literature in individuals affected with MSH6-related conditions. ClinVar contains an entry for this variant (Variation ID: 2701387). Experimental studies and prediction algorithms are not available or were not evaluated, and the functional significance of this variant is currently unknown. In summary, the available evidence is currently insufficient to determine the role of this variant in disease. Therefore, it has been classified as a Variant of Uncertain Significance.